The following is an entry in ClinVar:

ClinVar aggregate classification (germline): Likely benign (1 of 4 stars; one submission).

Allele frequency attached by ClinVar (database versions not stated): 1000 Genomes Project 0.00180; 1000 Genomes Project 30x 0.00187; TOPMed 0.00232; gnomAD 0.00238; ExAC 0.00243; ESP Exome Variant Server 0.00392; gnomAD exomes 0.00393.
gnomAD v4.1: 6,015 of 1,614,074 alleles (0.37%); highest among the groups gnomAD compares: Non-Finnish European, 0.47%; 12 homozygotes.

Submission:

CeGaT Center for Human Genetics Tuebingen
Classification: Likely benign. Last evaluated: 2023-03-01. Review status: criteria provided, single submitter. Criteria: CeGaT Center For Human Genetics Tuebingen Variant Classification Criteria Version 2. Collection method: clinical testing. Allele origin: germline. Affected: yes. Observed: 2 variant alleles.
Comment: ZNF667: BP4, BP7

NM_001321356.2(ZNF667):c.1197A>C (p.Ser399=)

Gene: ZNF667 (zinc finger protein 667; minus strand). Cytogenetic location: 19q13.43.
Variant type: single nucleotide variant.
Coding change: c.1197A>C on transcript NM_001321356.2 (MANE Select); coding-DNA position 1197, A replaced by C.
Protein change: p.Ser399=; no amino-acid change (serine 399 retained).
Molecular consequence: synonymous variant.
Genome position (GRCh38, 1-based): chr19:56,441,798, T>G on the plus strand (A>C on the coding strand, the complement: ZNF667 is on the minus strand). VCF-style: chr19-56441798-T-G. GRCh37 (hg19) VCF-style: chr19-56953167-T-G.
Other names: c.1026A>C, p.Ser342= (NM_001321355.2); c.1197A>C, p.Ser399= (NM_022103.4).
Identifiers: ClinVar variation 2650561 (VCV002650561.24), dbSNP rs138567096, ClinGen allele CA9689870.